The following is an entry in ClinVar:

ClinVar aggregate classification (germline): Benign. Review status: criteria provided, multiple submitters, no conflicts (2 of 4 stars). 4 submissions from 4 submitters: Benign (4). Last evaluated 2026-02-02.

Allele frequency attached by ClinVar (database versions not stated): gnomAD exomes 0.00244 and 0.00648; ExAC 0.00802; gnomAD 0.02442 and 0.02619; ESP Exome Variant Server 0.02645; TOPMed 0.02718; 1000 Genomes Project 0.02835; 1000 Genomes Project 30x 0.02889.
gnomAD v4.1: 7,448 of 1,613,526 alleles (0.46%); highest among the groups gnomAD compares: African/African-American, 8.6%; 311 homozygotes.

Submissions (4):

Labcorp Genetics (formerly Invitae), Labcorp
Classification: Benign. Last evaluated: 2026-02-02. Review status: criteria provided, single submitter. Criteria: Invitae Variant Classification Sherloc (09022015). Collection method: clinical testing. Allele origin: germline.

Women's Health and Genetics/Laboratory Corporation of America, LabCorp
Classification: Benign. Last evaluated: 2020-03-23. Review status: criteria provided, single submitter. Criteria: LabCorp Variant Classification Summary - May 2015. Collection method: clinical testing. Allele origin: germline.
Comment: Variant summary: ABCA1 c.2960+18G>A alters a non-conserved nucleotide located close to a canonical splice site and therefore could affect mRNA splicing, leading to a significantly altered protein sequence. 4/4 computational tools predict no significant impact on normal splicing. However, these predictions have yet to be confirmed by functional studies. The variant allele was found at a frequency of 0.0065 in 251226 control chromosomes, predominantly at a frequency of 0.086 within the African or African-American subpopulation in the gnomAD database, including 78 homozygotes. The observed variant frequency within African or African-American control individuals in the gnomAD database is significantly higher than the estimated maximal expected allele frequency for a pathogenic variant in ABCA1 causing Early Onset Coronary Artery Disease phenotype (1.3e-05), strongly suggesting that the variant is a benign polymorphism found primarily in populations of African or African-American origin. To our knowledge, no occurrence of c.2960+18G>A in individuals affected with Early Onset Coronary Artery Disease and no experimental evidence demonstrating its impact on protein function have been reported. No clinical diagnostic laboratories have submitted clinical-significance assessments for this variant to ClinVar after 2014. Based on the evidence outlined above, the variant was classified as benign.

GeneDx
Classification: Benign. Last evaluated: 2018-10-01. Review status: criteria provided, single submitter. Criteria: GeneDx Variant Classification Process June 2021. Collection method: clinical testing. Allele origin: germline. Affected: yes.

Breakthrough Genomics
Classification: Benign. Review status: criteria provided, single submitter. Criteria: ACMG Guidelines, 2015. Collection method: not provided. Allele origin: germline. Inheritance: Autosomal recessive inheritance. Affected: yes.

NM_005502.4(ABCA1):c.2960+18G>A

Gene: ABCA1 (ATP binding cassette subfamily A member 1; minus strand). Cytogenetic location: 9q31.1.
Variant type: single nucleotide variant.
Coding change: c.2960+18G>A on transcript NM_005502.4 (MANE Select); 18 bases into the intron after coding-DNA position 2960, G replaced by A.
Molecular consequence: intron variant.
Genome position (GRCh38, 1-based): chr9:104,821,357, C>T on the plus strand (G>A on the coding strand, the complement: ABCA1 is on the minus strand). VCF-style: chr9-104821357-C-T. GRCh37 (hg19) VCF-style: chr9-107583638-C-T.
Identifiers: ClinVar variation 918148 (VCV000918148.12), dbSNP rs60913410, ClinGen allele CA5168601.